The following is an entry in ClinVar:

NM_022725.4(FANCF):c.219del (p.Arg74fs)

Gene: FANCF (FA complementation group F; minus strand). Cytogenetic location: 11p14.3.
Variant type: Deletion.
Coding change: c.219del on transcript NM_022725.4 (MANE Select); coding-DNA position 219, one base deleted (G; older notation c.219delG).
Protein change: p.Arg74fs; shifts the reading frame from arginine 74.
Molecular consequence: frameshift variant.
Genome position (GRCh38, 1-based): chr11:22,625,592, C deleted on the plus strand (G on the coding strand, the reverse complement: FANCF is on the minus strand); the first of 3 consecutive C bases (chr11:22,625,592-22,625,594); deleting any one gives the same sequence. VCF-style (leftmost placement, unchanged base first): chr11-22625591-GC-G. GRCh37 (hg19) VCF-style: chr11-22647137-GC-G.
Other names: short protein forms R74fs.
Identifiers: ClinVar variation 929562 (VCV000929562.13), dbSNP rs1858634363, ClinGen allele CA916084386.

ClinVar aggregate classification (germline): Pathogenic. Review status: criteria provided, multiple submitters, no conflicts (2 of 4 stars). 4 submissions from 4 submitters: Pathogenic (2). 2 of the submissions do not count toward it. Last evaluated 2022-08-06.

Conditions:
Fanconi anemia complementation group F. Also called: FANCF-Related Fanconi Anemia. Identifiers: Orphanet 84, MedGen C3469526, MONDO:0011325, OMIM 603467.
Fanconi anemia (FA). Also called: Fanconi's anemia. Identifiers: Orphanet 84, MedGen C0015625, MeSH D005199, MONDO:0019391.

Submissions (4):

Baylor Genetics
Classification: Pathogenic for Fanconi anemia complementation group F. Last evaluated: 2022-08-06. Review status: criteria provided, single submitter. Criteria: ACMG Guidelines, 2015. Collection method: clinical testing. Allele origin: unknown.

Labcorp Genetics (formerly Invitae), Labcorp
Classification: Pathogenic for Fanconi anemia. Last evaluated: 2020-10-08. Review status: criteria provided, single submitter. Criteria: Invitae Variant Classification Sherloc (09022015). Collection method: clinical testing. Allele origin: germline.
Comment: This sequence change results in a premature translational stop signal in the FANCF gene (p.Arg74Glyfs*7). While this is not anticipated to result in nonsense mediated decay, it is expected to disrupt the last 301 amino acid(s) of the FANCF protein. For these reasons, this variant has been classified as Pathogenic. This variant disrupts the C-terminus of the FANCF protein. Other variant(s) that disrupt this region (p.Leu162Aspfs*103) have been determined to be pathogenic (PMID: 26033879, 28102861, 27714961). This suggests that variants that disrupt this region of the protein are likely to be causative of disease. This variant has been observed in individual(s) with Fanconi anemia (PMID: 16084127, 27714961). In at least one individual the data is consistent with the variant being in trans (on the opposite chromosome) from a pathogenic variant. ClinVar contains an entry for this variant (Variation ID: 929562). This variant is not present in population databases (ExAC no frequency).

OMIM
Classification: Pathogenic for FANCONI ANEMIA, COMPLEMENTATION GROUP F. Last evaluated: 2021-06-16. Review status: no assertion criteria provided. Collection method: literature only. Allele origin: germline. Not counted in ClinVar's aggregate classification.

Leiden Open Variation Database
Classification: Pathogenic for Fanconi anemia complementation group F. Last evaluated: 2011-02-07. Review status: no assertion criteria provided. Collection method: curation. Allele origin: germline. Affected: yes. Not counted in ClinVar's aggregate classification.
Comment: Curator: Arleen D. Auerbach. Submitter to LOVD: Arleen D. Auerbach.

Literature cited by the submitters: PubMed 26033879 (cited by Labcorp Genetics (formerly Invitae), Labcorp); PubMed 28102861 (cited by Labcorp Genetics (formerly Invitae), Labcorp); PubMed 27714961 (cited by Labcorp Genetics (formerly Invitae), Labcorp and OMIM); PubMed 16084127 (cited by Labcorp Genetics (formerly Invitae), Labcorp and Leiden Open Variation Database).